The following is an entry in ClinVar:

NM_014795.4(ZEB2):c.2941G>A (p.Asp981Asn)

Gene: ZEB2 (zinc finger E-box binding homeobox 2; minus strand). Cytogenetic location: 2q22.3.
Variant type: single nucleotide variant.
Coding change: c.2941G>A on transcript NM_014795.4 (MANE Select); coding-DNA position 2941, G replaced by A.
Protein change: p.Asp981Asn; replaces aspartic acid 981 with asparagine.
Molecular consequence: missense variant.
Genome position (GRCh38, 1-based): chr2:144,396,538, C>T on the plus strand (G>A on the coding strand, the complement: ZEB2 is on the minus strand). VCF-style: chr2-144396538-C-T. GRCh37 (hg19) VCF-style: chr2-145154105-C-T.
Other names: c.2941G>A (NM_014795.3); c.2869G>A, p.Asp957Asn (NM_001171653.2); short protein forms D957N, D981N.
Identifiers: ClinVar variation 3674257 (VCV003674257.3).
Genomic context (GRCh38, chr2:144,396,538, plus strand): 5'-ATGCATACATGCCACTCTCTGTCTTCTTGATCTTTTTGCGAGACAGACAGGAGTCGGAGT[C>T]TGTCATATCATCTAGGCCTGACATGTAGTCTTGTGCTCCATCAAGCAATTCTCCCTGCGA-3'
Protein context (NP_055610.1, residues 971-991): DYMSGLDDMT[Asp981Asn]SDSCLSRKKI

ClinVar aggregate classification (germline): Uncertain significance. Review status: criteria provided, multiple submitters, no conflicts (2 of 4 stars). 2 submissions from 2 submitters: Uncertain significance (2). Last evaluated 2025-08-03.

Conditions:
Inborn genetic diseases. Identifiers: MedGen C0950123, MeSH D030342.
Mowat-Wilson syndrome (MOWS). Also called: Classic Mowat-Wilson Syndrome. Identifiers: Orphanet 2152, MedGen C1856113, MONDO:0009341, OMIM 235730.

Submissions (2):

Ambry Genetics
Classification: Uncertain significance for Inborn genetic diseases. Last evaluated: 2025-08-03. Review status: criteria provided, single submitter. Criteria: Ambry Variant Classification Scheme 2023. Collection method: clinical testing. Allele origin: germline.

Labcorp Genetics (formerly Invitae), Labcorp
Classification: Uncertain significance for Mowat-Wilson syndrome. Last evaluated: 2024-09-30. Review status: criteria provided, single submitter. Criteria: Invitae Variant Classification Sherloc (09022015). Collection method: clinical testing. Allele origin: germline.
Comment: This sequence change replaces aspartic acid, which is acidic and polar, with asparagine, which is neutral and polar, at codon 981 of the ZEB2 protein (p.Asp981Asn). This variant is not present in population databases (gnomAD no frequency). This variant has not been reported in the literature in individuals affected with ZEB2-related conditions. Invitae Evidence Modeling of protein sequence and biophysical properties (such as structural, functional, and spatial information, amino acid conservation, physicochemical variation, residue mobility, and thermodynamic stability) indicates that this missense variant is expected to disrupt ZEB2 protein function with a positive predictive value of 80%. In summary, the available evidence is currently insufficient to determine the role of this variant in disease. Therefore, it has been classified as a Variant of Uncertain Significance.